The following is an entry in ClinVar:

NM_020338.4(ZMIZ1):c.1088C>T (p.Pro363Leu)

Gene: ZMIZ1 (zinc finger MIZ-type containing 1; plus strand). Cytogenetic location: 10q22.3.
Variant type: single nucleotide variant.
Coding change: c.1088C>T on transcript NM_020338.4 (MANE Select); coding-DNA position 1088, C replaced by T.
Protein change: p.Pro363Leu; replaces proline 363 with leucine.
Molecular consequence: missense variant.
Genome position (GRCh38, 1-based): chr10:79,293,511, C>T. VCF-style: chr10-79293511-C-T. GRCh37 (hg19) VCF-style: chr10-81053268-C-T.
Other names: short protein forms P363L.
Identifiers: ClinVar variation 4055958 (VCV004055958.1).

ClinVar aggregate classification (germline): Uncertain significance (1 of 4 stars; one submission).

gnomAD v4.1: 1 of 1,600,458 alleles (0.000062%); highest among the groups gnomAD compares: Non-Finnish European, 0.000085%; no homozygotes.

Submission:

GeneDx
Classification: Uncertain significance. Last evaluated: 2025-01-03. Review status: criteria provided, single submitter. Criteria: GeneDx Variant Classification Process June 2021. Collection method: clinical testing. Allele origin: germline. Affected: yes.
Comment: Has not been previously published as pathogenic or benign to our knowledge; Not observed at significant frequency in large population cohorts (gnomAD); In silico analysis indicates that this missense variant does not alter protein structure/function